The following is an entry in ClinVar:

NM_015330.6(SPECC1L):c.2883G>A (p.Ala961=)

Genes: SPECC1L-ADORA2A (SPECC1L-ADORA2A readthrough (NMD candidate); plus strand), SPECC1L (sperm antigen with calponin homology and coiled-coil domains 1 like; plus strand). Cytogenetic location: 22q11.23.
Variant type: single nucleotide variant.
Coding change: c.2883G>A on transcript NM_015330.6 (MANE Select); coding-DNA position 2883, G replaced by A.
Protein change: p.Ala961=; no amino-acid change (alanine 961 retained).
Molecular consequence: synonymous variant. On other transcripts: non-coding transcript variant (1).
Genome position (GRCh38, 1-based): chr22:24,365,531, G>A. VCF-style: chr22-24365531-G-A. GRCh37 (hg19) VCF-style: chr22-24761499-G-A.
Other names: c.2883G>A, p.Ala961= (NM_001145468.4, NM_001254732.3); c.81G>A, p.Ala27= (NM_001254733.2).
Identifiers: ClinVar variation 756079 (VCV000756079.9), dbSNP rs774021747, ClinGen allele CA10152485.

ClinVar aggregate classification (germline): Benign. Review status: criteria provided, single submitter (1 of 4 stars). 2 submissions from 2 submitters: Benign (1). 1 of the submissions does not count toward it. Last evaluated 2022-07-19.

Conditions:
SPECC1L-related disorder. Also called: SPECC1L-related condition.

Allele frequency attached by ClinVar (database versions not stated): gnomAD 0.00004 and 0.00005; gnomAD exomes 0.00004 and 0.00010; TOPMed 0.00006; ExAC 0.00008.
gnomAD v4.1: 63 of 1,613,948 alleles (0.0039%); highest among the groups gnomAD compares: Admixed American, 0.022%; 1 homozygote.

Submissions (2):

Labcorp Genetics (formerly Invitae), Labcorp
Classification: Benign. Last evaluated: 2022-07-19. Review status: criteria provided, single submitter. Criteria: Invitae Variant Classification Sherloc (09022015). Collection method: clinical testing. Allele origin: germline.

PreventionGenetics, part of Exact Sciences
Classification: Likely benign for SPECC1L-related condition. Last evaluated: 2019-12-16. Review status: no assertion criteria provided. Collection method: clinical testing. Allele origin: germline. Not counted in ClinVar's aggregate classification.
Comment: This variant is classified as likely benign based on ACMG/AMP sequence variant interpretation guidelines (Richards et al. 2015 PMID: 25741868, with internal and published modifications).